The following is an entry in ClinVar:

NM_001130698.2(TRPC3):c.2284C>T (p.Arg762Cys)

Gene: TRPC3 (transient receptor potential cation channel subfamily C member 3; minus strand). Cytogenetic location: 4q27.
Variant type: single nucleotide variant.
Coding change: c.2284C>T on transcript NM_001130698.2 (MANE Select); coding-DNA position 2284, C replaced by T.
Protein change: p.Arg762Cys; replaces arginine 762 with cysteine.
Molecular consequence: missense variant.
Genome position (GRCh38, 1-based): chr4:121,903,031, G>A on the plus strand (C>T on the coding strand, the complement: TRPC3 is on the minus strand). VCF-style: chr4-121903031-G-A. GRCh37 (hg19) VCF-style: chr4-122824186-G-A.
Other names: c.2284C>T, p.Arg762Cys (NM_001366479.2); c.2065C>T, p.Arg689Cys (NM_003305.2); short protein forms R762C, R689C.
Identifiers: ClinVar variation 3001084 (VCV003001084.3), dbSNP rs200628918, ClinGen allele CA3064772.
Genomic context (GRCh38, chr4:121,903,031, plus strand): 5'-GACTGAAAGGTGGAGGTAATGTTTTTCCATCATCAAAATAGGATAACCAAAGTTTTGAAC[G>A]AGCAAACTTCCATTCTACATCACTGTCATCCTGTGTCACAAAAATAGAAAAAAAAACTAA-3'
Protein context (NP_001124170.1, residues 752-772): DDSDVEWKFA[Arg762Cys]SKLWLSYFDD

ClinVar aggregate classification (germline): Uncertain significance (1 of 4 stars; one submission).

Allele frequency attached by ClinVar (database versions not stated): ExAC 0.00001.
gnomAD v4.1: 3 of 1,612,620 alleles (0.00019%); highest among the groups gnomAD compares: Admixed American, 0.0017%; no homozygotes.

Submission:

Labcorp Genetics (formerly Invitae), Labcorp
Classification: Uncertain significance. Last evaluated: 2023-01-17. Review status: criteria provided, single submitter. Criteria: Invitae Variant Classification Sherloc (09022015). Collection method: clinical testing. Allele origin: germline.
Comment: In summary, the available evidence is currently insufficient to determine the role of this variant in disease. Therefore, it has been classified as a Variant of Uncertain Significance. Algorithms developed to predict the effect of sequence changes on RNA splicing suggest that this variant may disrupt the consensus splice site. Advanced modeling of protein sequence and biophysical properties (such as structural, functional, and spatial information, amino acid conservation, physicochemical variation, residue mobility, and thermodynamic stability) performed at Invitae indicates that this missense variant is expected to disrupt TRPC3 protein function. This variant has not been reported in the literature in individuals affected with TRPC3-related conditions. The frequency data for this variant in the population databases is considered unreliable, as metrics indicate poor data quality at this position in the gnomAD database. This sequence change replaces arginine, which is basic and polar, with cysteine, which is neutral and slightly polar, at codon 762 of the TRPC3 protein (p.Arg762Cys).